The following is an entry in ClinVar:

NM_000112.4(SLC26A2):c.1295A>G (p.His432Arg)

Gene: SLC26A2 (solute carrier family 26 member 2; plus strand). Cytogenetic location: 5q32.
Variant type: single nucleotide variant.
Coding change: c.1295A>G on transcript NM_000112.4 (MANE Select); coding-DNA position 1295, A replaced by G.
Protein change: p.His432Arg; replaces histidine 432 with arginine.
Molecular consequence: missense variant.
Genome position (GRCh38, 1-based): chr5:149,980,888, A>G. VCF-style: chr5-149980888-A-G. GRCh37 (hg19) VCF-style: chr5-149360451-A-G.
Other names: short protein forms H432R.
Identifiers: ClinVar variation 1135372 (VCV001135372.12), dbSNP rs116443969, ClinGen allele CA3505418.

ClinVar aggregate classification (germline): Conflicting classifications of pathogenicity. Review status: criteria provided, conflicting classifications (1 of 4 stars). 4 submissions from 4 submitters: Uncertain significance (3); Likely benign (1). Last evaluated 2026-02-04.

Conditions:
Achondrogenesis, type IB (ACG1B). Also called: Achondrogenesis Type 1B. Identifiers: Orphanet 932, Orphanet 93298, MedGen C0265274, MONDO:0010966, OMIM 600972.
Diastrophic dysplasia (DTD). Also called: Diastrophic dwarfism. Identifiers: Orphanet 628, MedGen C0220726, MONDO:0009107, OMIM 222600.
Multiple epiphyseal dysplasia type 4 (EDM4). Also called: Multiple Epiphyseal Dysplasia, Recessive; MULTIPLE EPIPHYSEAL DYSPLASIA WITH BILAYERED PATELLAE; MULTIPLE EPIPHYSEAL DYSPLASIA WITH CLUBFOOT; MULTIPLE EPIPHYSEAL DYSPLASIA, AUTOSOMAL RECESSIVE; SLC26A2-Related Multiple Epiphyseal Dysplasia. Identifiers: Orphanet 93307, MedGen C1847593, MONDO:0009189, OMIM 226900.
Atelosteogenesis type II (AO2). Also called: NEONATAL OSSEOUS DYSPLASIA I; SLC26A2-Related Atelosteogenesis; Neonatal osseous dysplasia 1. Identifiers: Orphanet 56304, MedGen C1850554, MONDO:0009727, OMIM 256050.
Inborn genetic diseases. Identifiers: MedGen C0950123, MeSH D030342.

Allele frequency attached by ClinVar (database versions not stated): gnomAD exomes 0.00003 and 0.00008; ExAC 0.00008; 1000 Genomes Project 30x 0.00016; 1000 Genomes Project 0.00020; gnomAD 0.00026; TOPMed 0.00031; ESP Exome Variant Server 0.00038.
gnomAD v4.1: 88 of 1,614,086 alleles (0.0055%); highest among the groups gnomAD compares: African/African-American, 0.11%; no homozygotes.

Submissions (4):

Labcorp Genetics (formerly Invitae), Labcorp
Classification: Likely benign for Atelosteogenesis type II; Multiple epiphyseal dysplasia type 4; Achondrogenesis, type IB; Diastrophic dysplasia. Last evaluated: 2026-02-04. Review status: criteria provided, single submitter. Criteria: Invitae Variant Classification Sherloc (09022015). Collection method: clinical testing. Allele origin: germline.

ARUP Laboratories, Molecular Genetics and Genomics, ARUP Laboratories
Classification: Uncertain significance. Last evaluated: 2025-06-11. Review status: criteria provided, single submitter. Criteria: ARUP Molecular Germline Variant Investigation Process 2024. Collection method: clinical testing. Allele origin: germline.
Comment: The SLC26A2 c.1295A>G; p.His432Arg variant (rs116443969), to our knowledge, is not reported in the medical literature but is reported in ClinVar (Variation ID: 1135372). This variant is found in the African/African-American population with an allele frequency of 0.09% (22/24,962 alleles) in the Genome Aggregation Database (v2.1.1). Computational analyses are uncertain whether this variant is neutral or deleterious (REVEL: 0.471). Due to limited information, the clinical significance of this variant is uncertain at this time.

Ambry Genetics
Classification: Uncertain significance for Inborn genetic diseases. Last evaluated: 2025-06-07. Review status: criteria provided, single submitter. Criteria: Ambry Variant Classification Scheme 2023. Collection method: clinical testing. Allele origin: germline.

GeneDx
Classification: Uncertain significance. Last evaluated: 2021-11-01. Review status: criteria provided, single submitter. Criteria: GeneDx Variant Classification Process June 2021. Collection method: clinical testing. Allele origin: germline. Affected: yes.
Comment: In silico analysis supports that this missense variant has a deleterious effect on protein structure/function; Has not been previously published as pathogenic or benign to our knowledge